The following is an entry in ClinVar:

NM_001385875.1(ZFYVE27):c.680G>A (p.Arg227Lys)

Gene: ZFYVE27 (zinc finger FYVE-type containing 27; plus strand). Cytogenetic location: 10q24.2.
Variant type: single nucleotide variant.
Coding change: c.680G>A on transcript NM_001385875.1 (MANE Select); coding-DNA position 680, G replaced by A.
Protein change: p.Arg227Lys; replaces arginine 227 with lysine.
Molecular consequence: missense variant. On other transcripts: non-coding transcript variant (16).
Genome position (GRCh38, 1-based): chr10:97,750,346, G>A. VCF-style: chr10-97750346-G-A. GRCh37 (hg19) VCF-style: chr10-99510103-G-A.
Other names: c.476G>A, p.Arg159Lys (NM_001385890.1, NM_001385891.1, NM_001385892.1 and 6 more transcripts); c.443G>A, p.Arg148Lys (NM_001385899.1, NM_001385900.1, NM_001385903.1 and 2 more transcripts); c.680G>A, p.Arg227Lys (NM_001002261.4, NM_001002262.4, NM_001385871.1 and 8 more transcripts); c.584G>A, p.Arg195Lys (NM_001174119.2, NM_001385885.1, NM_001385886.1 and 3 more transcripts); c.422G>A, p.Arg141Lys (NM_001174120.2, NM_001385901.1, NM_001385902.1 and 3 more transcripts); c.386G>A, p.Arg129Lys (NM_001174121.2, NM_001385915.1); c.326G>A, p.Arg109Lys (NM_001174122.2, NM_001385918.1); c.719G>A, p.Arg240Lys (NM_001385876.1); and 3 more; short protein forms R116K, R141K, R148K, R159K, R240K, R109K, R227K, R129K.
Identifiers: ClinVar variation 1490876 (VCV001490876.6), dbSNP rs2046602733, ClinGen allele CA377997375.

ClinVar aggregate classification (germline): Uncertain significance (1 of 4 stars; one submission).

Conditions:
Spastic paraplegia. Identifiers: MedGen C0037772, HP:0001258.

Allele frequency attached by ClinVar (database versions not stated): gnomAD 0.00001.
gnomAD v4.1: 1 of 1,613,954 alleles (0.000062%); highest among the groups gnomAD compares: Non-Finnish European, 0.000085%; no homozygotes.

Submission:

Labcorp Genetics (formerly Invitae), Labcorp
Classification: Uncertain significance for Spastic paraplegia. Last evaluated: 2022-09-01. Review status: criteria provided, single submitter. Criteria: Invitae Variant Classification Sherloc (09022015). Collection method: clinical testing. Allele origin: germline.
Comment: In summary, the available evidence is currently insufficient to determine the role of this variant in disease. Therefore, it has been classified as a Variant of Uncertain Significance. Algorithms developed to predict the effect of missense changes on protein structure and function are either unavailable or do not agree on the potential impact of this missense change (SIFT: "Tolerated"; PolyPhen-2: "Possibly Damaging"; Align-GVGD: "Class C0"). ClinVar contains an entry for this variant (Variation ID: 1490876). This variant has not been reported in the literature in individuals affected with ZFYVE27-related conditions. This variant is not present in population databases (gnomAD no frequency). This sequence change replaces arginine, which is basic and polar, with lysine, which is basic and polar, at codon 227 of the ZFYVE27 protein (p.Arg227Lys).